The following is an entry in ClinVar:

NM_012108.4(STAP1):c.722A>T (p.Glu241Val)

Gene: STAP1 (signal transducing adaptor family member 1; plus strand). Cytogenetic location: 4q13.2.
Variant type: single nucleotide variant.
Coding change: c.722A>T on transcript NM_012108.4 (MANE Select); coding-DNA position 722, A replaced by T.
Protein change: p.Glu241Val; replaces glutamic acid 241 with valine.
Molecular consequence: missense variant.
Genome position (GRCh38, 1-based): chr4:67,590,946, A>T. VCF-style: chr4-67590946-A-T. GRCh37 (hg19) VCF-style: chr4-68456664-A-T.
Other names: c.722A>T, p.Glu241Val (NM_001317769.2); short protein forms E241V.
Identifiers: ClinVar variation 1757798 (VCV001757798.2), dbSNP rs757407635, ClinGen allele CA357055479.
Genomic context (GRCh38, chr4:67,590,946, plus strand): 5'-TTCCAAGAATCAAGCACTACAAAGTGATGAGCGTAGGACAAAACTACACTATTGAACTGG[A>T]AAAACCTGTAAGTAACTATTTTTGTTGTTGTTGATGAACTTCCTCCCGATTCCTTATAGC-3'
Protein context (NP_036240.1, residues 231-251): SVGQNYTIEL[Glu241Val]KPVTLPNLFS

ClinVar aggregate classification (germline): Uncertain significance (1 of 4 stars; one submission).

Submission:

Ambry Genetics
Classification: Uncertain significance. Last evaluated: 2021-12-03. Review status: criteria provided, single submitter. Criteria: Ambry Variant Classification Scheme 2023. Collection method: clinical testing. Allele origin: germline.
Comment: The p.E241V variant (also known as c.722A>T), located in coding exon 7 of the STAP1 gene, results from an A to T substitution at nucleotide position 722. The glutamic acid at codon 241 is replaced by valine, an amino acid with dissimilar properties. This amino acid position is conserved. In addition, the in silico prediction for this alteration is inconclusive. Since supporting evidence is limited at this time, the clinical significance of this alteration remains unclear.